The following is an entry in ClinVar:

ClinVar aggregate classification (germline): Likely pathogenic (1 of 4 stars; one submission).

Conditions:
SLC12A1-related disorder. Also called: SLC12A1-related condition.

Submission:

PreventionGenetics, part of Exact Sciences
Classification: Likely pathogenic for SLC12A1-related condition. Last evaluated: 2023-06-12. Review status: criteria provided, single submitter. Criteria: ACMG Guidelines, 2015. Collection method: clinical testing. Allele origin: germline.
Comment: The SLC12A1 c.3130C>T variant is predicted to result in premature protein termination (p.Gln1044*). To our knowledge, this variant has not been reported in the literature or in a large population database, indicating this variant is rare. Nonsense variants in SLC12A1 are expected to be pathogenic. This variant is interpreted as likely pathogenic.

NM_000338.3(SLC12A1):c.3130C>T (p.Gln1044Ter)

Gene: SLC12A1 (solute carrier family 12 member 1; plus strand). Cytogenetic location: 15q21.1.
Variant type: single nucleotide variant.
Coding change: c.3130C>T on transcript NM_000338.3 (MANE Select); coding-DNA position 3130, C replaced by T.
Protein change: p.Gln1044Ter; replaces glutamine 1044 with a stop codon.
Molecular consequence: nonsense.
Genome position (GRCh38, 1-based): chr15:48,301,348, C>T. VCF-style: chr15-48301348-C-T. GRCh37 (hg19) VCF-style: chr15-48593545-C-T.
Other names: c.3130C>T, p.Gln1044Ter (NM_001184832.2, NM_001384136.1); short protein forms Q1044*.
Identifiers: ClinVar variation 2634791 (VCV002634791.1), dbSNP rs2505225672, ClinGen allele CA392321869.